The following is an entry in ClinVar:

ClinVar aggregate classification (germline): Uncertain significance (1 of 4 stars; one submission).

Allele frequency attached by ClinVar (database versions not stated): gnomAD exomes 0.00007; gnomAD 0.00010; TOPMed 0.00011; ExAC 0.00013.
gnomAD v4.1: 125 of 1,609,056 alleles (0.0078%); highest among the groups gnomAD compares: Middle Eastern, 0.033%; 1 homozygote.

Submission:

Ambry Genetics
Classification: Uncertain significance. Last evaluated: 2025-08-01. Review status: criteria provided, single submitter. Criteria: Ambry Variant Classification Scheme 2023. Collection method: clinical testing. Allele origin: germline.
Comment: The c.1949C>T (p.P650L) alteration is located in exon (coding exon ) of the SH3RF3 gene. This alteration results from a C to T substitution at nucleotide position 1949, causing the proline (P) at amino acid position 650 to be replaced by a leucine (L). Based on insufficient or conflicting evidence, the clinical significance of this alteration remains unclear.

NM_001099289.3(SH3RF3):c.1949C>T (p.Pro650Leu)

Genes: RANBP2 (RAN binding protein 2; plus strand), SH3RF3 (SH3 domain containing ring finger 3; plus strand). Cytogenetic location: 2q13.
Variant type: single nucleotide variant.
Coding change: c.1949C>T on transcript NM_001099289.3 (MANE Select); coding-DNA position 1949, C replaced by T.
Protein change: p.Pro650Leu; replaces proline 650 with leucine.
Molecular consequence: missense variant.
Genome position (GRCh38, 1-based): chr2:109,449,290, C>T. VCF-style: chr2-109449290-C-T. GRCh37 (hg19) VCF-style: chr2-110065746-C-T.
Other names: short protein forms P650L.
Identifiers: ClinVar variation 2345073 (VCV002345073.3), dbSNP rs776110511, ClinGen allele CA1825804.